The following is an entry in ClinVar:

ClinVar aggregate classification (germline): Likely benign (1 of 4 stars; one submission).

gnomAD v4.1: 3 of 466,158 alleles (0.00064%); highest among the groups gnomAD compares: Non-Finnish European, 0.00086%; no homozygotes.

Submission:

CeGaT Center for Human Genetics Tuebingen
Classification: Likely benign. Last evaluated: 2025-06-01. Review status: criteria provided, single submitter. Criteria: CeGaT Center For Human Genetics Tuebingen Variant Classification Criteria Version 2. Collection method: clinical testing. Allele origin: germline. Affected: yes. Observed: 1 variant allele.
Comment: KMT2C: BP4, BP7

NM_170606.3(KMT2C):c.7443A>G (p.Arg2481=)

Gene: KMT2C (lysine methyltransferase 2C; minus strand). Cytogenetic location: 7q36.1.
Variant type: single nucleotide variant.
Coding change: c.7443A>G on transcript NM_170606.3 (MANE Select); coding-DNA position 7443, A replaced by G.
Protein change: p.Arg2481=; no amino-acid change (arginine 2481 retained).
Molecular consequence: synonymous variant.
Genome position (GRCh38, 1-based): chr7:152,178,010, T>C on the plus strand (A>G on the coding strand, the complement: KMT2C is on the minus strand). VCF-style: chr7-152178010-T-C. GRCh37 (hg19) VCF-style: chr7-151875095-T-C.
Identifiers: ClinVar variation 3905573 (VCV003905573.10).